The following is an entry in ClinVar:

NM_000937.5(POLR2A):c.3379C>T (p.Leu1127Phe)

Gene: POLR2A (RNA polymerase II subunit A; plus strand). Cytogenetic location: 17p13.1.
Variant type: single nucleotide variant.
Coding change: c.3379C>T on transcript NM_000937.5 (MANE Select); coding-DNA position 3379, C replaced by T.
Protein change: p.Leu1127Phe; replaces leucine 1127 with phenylalanine.
Molecular consequence: missense variant.
Genome position (GRCh38, 1-based): chr17:7,508,389, C>T. VCF-style: chr17-7508389-C-T. GRCh37 (hg19) VCF-style: chr17-7411708-C-T.
Other names: p.Leu1127Phe; short protein forms L1127F.
Identifiers: ClinVar variation 4845428 (VCV004845428.1).

ClinVar aggregate classification (germline): Likely pathogenic (0 of 4 stars; one submission).

Conditions:
Neurodevelopmental disorder with hypotonia and variable intellectual and behavioral abnormalities. Identifiers: MedGen C5231423, MONDO:0032829, OMIM 618603.

Submission:

Department of Pediatric Neurology, The Second Affiliated Hospital of Wenzhou Medical University
Classification: Likely pathogenic for Neurodevelopmental disorder with hypotonia and variable intellectual and behavioral abnormalities. Last evaluated: 2026-04-21. Review status: no assertion criteria provided. Collection method: clinical testing. Allele origin: de novo. Inheritance: Autosomal dominant inheritance. Affected: yes. Observed: 1 variant allele, 1 heterozygote.
Comment: The variant NM_000937.5(POLR2A):c.3379C>T (p.Leu1127Phe) is classified as Pathogenic according to ACMG/AMP 2015 criteria (PS2+PM2_Supporting+PP3). The variant is de novo in the proband, absent in both parents (PS2), absent from population databases (PM2_Supporting), and predicted to be deleterious by multiple in silico tools including REVEL, PolyPhen-2, and SIFT (PP3).

Literature cited by the submitters: PubMed 30929733.